The following is an entry in ClinVar:

ClinVar aggregate classification (germline): Uncertain significance (1 of 4 stars; one submission).

Conditions:
MHC class II deficiency. Also called: Bare lymphocyte syndrome 2; BLS, TYPE II. Identifiers: Orphanet 572, MedGen C5447452, MONDO:0008855.

Allele frequency attached by ClinVar (database versions not stated): gnomAD exomes below 0.00001 and 0.00001; TOPMed below 0.00001; ExAC 0.00001; gnomAD 0.00001.
gnomAD v4.1: 9 of 1,613,822 alleles (0.00056%); highest among the groups gnomAD compares: Non-Finnish European, 0.00076%; no homozygotes.

Submission:

Labcorp Genetics (formerly Invitae), Labcorp
Classification: Uncertain significance for MHC class II deficiency. Last evaluated: 2021-09-01. Review status: criteria provided, single submitter. Criteria: Invitae Variant Classification Sherloc (09022015). Collection method: clinical testing. Allele origin: germline.
Comment: This sequence change replaces serine with threonine at codon 377 of the CIITA protein (p.Ser377Thr). The serine residue is moderately conserved and there is a small physicochemical difference between serine and threonine. This variant is present in population databases (rs765530997, ExAC 0.002%). This variant has not been reported in the literature in individuals affected with CIITA-related conditions. Algorithms developed to predict the effect of missense changes on protein structure and function (SIFT, PolyPhen-2, Align-GVGD) all suggest that this variant is likely to be tolerated. In summary, the available evidence is currently insufficient to determine the role of this variant in disease. Therefore, it has been classified as a Variant of Uncertain Significance.

NM_000246.4(CIITA):c.1130G>C (p.Ser377Thr)

Gene: CIITA (class II major histocompatibility complex transactivator; plus strand). Cytogenetic location: 16p13.13.
Variant type: single nucleotide variant.
Coding change: c.1130G>C on transcript NM_000246.4 (MANE Select); coding-DNA position 1130, G replaced by C.
Protein change: p.Ser377Thr; replaces serine 377 with threonine.
Molecular consequence: missense variant. On other transcripts: intron variant (1).
Genome position (GRCh38, 1-based): chr16:10,906,622, G>C. VCF-style: chr16-10906622-G-C. GRCh37 (hg19) VCF-style: chr16-11000479-G-C.
Other names: c.1133G>C, p.Ser378Thr (NM_001286402.1, NM_001379332.1); c.986G>C, p.Ser329Thr (NM_001379330.1); c.983G>C, p.Ser328Thr (NM_001379331.1); c.1130G>C, p.Ser377Thr (NM_001379333.1); c.1061G>C, p.Ser354Thr (NM_001379334.1); c.859+1810G>C (NM_001286403.2); short protein forms S377T, S378T, S328T, S329T, S354T.
Identifiers: ClinVar variation 851664 (VCV000851664.7), dbSNP rs765530997, ClinGen allele CA7900059.